The following is an entry in ClinVar:

NM_001394062.1(MACF1):c.3734C>A (p.Ser1245Tyr)

Gene: MACF1 (microtubule actin crosslinking factor 1; plus strand). Cytogenetic location: 1p34.3.
Variant type: single nucleotide variant.
Coding change: c.3734C>A on transcript NM_001394062.1 (MANE Select); coding-DNA position 3734, C replaced by A.
Protein change: p.Ser1245Tyr; replaces serine 1245 with tyrosine.
Molecular consequence: missense variant.
Genome position (GRCh38, 1-based): chr1:39,317,359, C>A. VCF-style: chr1-39317359-C-A. GRCh37 (hg19) VCF-style: chr1-39783031-C-A.
Other names: c.3749C>A, p.Ser1250Tyr (NM_012090.5); short protein forms S1245Y, S1250Y.
Identifiers: ClinVar variation 2867588 (VCV002867588.3), dbSNP rs1339519553, ClinGen allele CA339786151.

ClinVar aggregate classification (germline): Uncertain significance (1 of 4 stars; one submission).

gnomAD v4.1: 11 of 1,613,584 alleles (0.00068%); highest among the groups gnomAD compares: Non-Finnish European, 0.00093%; no homozygotes.

Submission:

Labcorp Genetics (formerly Invitae), Labcorp
Classification: Uncertain significance. Last evaluated: 2023-02-14. Review status: criteria provided, single submitter. Criteria: Invitae Variant Classification Sherloc (09022015). Collection method: clinical testing. Allele origin: germline.
Comment: In summary, the available evidence is currently insufficient to determine the role of this variant in disease. Therefore, it has been classified as a Variant of Uncertain Significance. Algorithms developed to predict the effect of missense changes on protein structure and function are either unavailable or do not agree on the potential impact of this missense change (SIFT: "Deleterious"; PolyPhen-2: "Possibly Damaging"; Align-GVGD: "Class C0"). This variant has not been reported in the literature in individuals affected with MACF1-related conditions. This variant is present in population databases (no rsID available, gnomAD 0.0009%). This sequence change replaces serine, which is neutral and polar, with tyrosine, which is neutral and polar, at codon 1250 of the MACF1 protein (p.Ser1250Tyr).